The following is an entry in ClinVar:

ClinVar aggregate classification (germline): Uncertain significance (1 of 4 stars; one submission).

Conditions:
Neurodevelopmental disorder with impaired language, behavioral abnormalities, and dysmorphic facies (NEDLBF). Identifiers: MedGen C5882686, MONDO:0957588, OMIM 620494.

Submission:

OLLIN Analises Genomicas, OLLIN
Classification: Uncertain significance for Neurodevelopmental disorder with impaired language, behavioral abnormalities, and dysmorphic facies. Last evaluated: 2026-02-13. Review status: criteria provided, single submitter. Criteria: ACMG Guidelines 2015 PMID 25741868. Collection method: clinical testing. Allele origin: germline. Observed: 1 variant allele.
Comment: PM2_P, PP3

NM_014847.4(UBAP2L):c.1491+21A>G

Gene: UBAP2L (ubiquitin associated protein 2 like; plus strand). Cytogenetic location: 1q21.3.
Variant type: single nucleotide variant.
Coding change: c.1491+21A>G on transcript NM_014847.4 (MANE Select); 21 bases into the intron after coding-DNA position 1491, A replaced by G.
Molecular consequence: intron variant.
Genome position (GRCh38, 1-based): chr1:154,251,339, A>G. VCF-style: chr1-154251339-A-G. GRCh37 (hg19) VCF-style: chr1-154223815-A-G.
Other names: c.1491+21A>G (NM_001127320.3, NM_001375623.1, NM_001375627.1 and 14 more transcripts); c.1524+21A>G (NM_001330730.1, NM_001287816.1, NM_001375625.1 and 2 more transcripts); c.1470+21A>G (NM_001287815.1).
Identifiers: ClinVar variation 4814113 (VCV004814113.1).
Genomic context (GRCh38, chr1:154,251,339, plus strand): 5'-ACTGAAACAGCAGAAGAAAAAAGCCTCCTTGACTTCTAAGGTACTTAAACTTTTAGGTAG[A>G]TACCATTTTATGGCAAGGGGTGTGGGGCTTGAGAATTGAGATTAAAAGGGTAAGTTTGGA-3'